The following is an entry in ClinVar:

NM_021615.5(CHST6):c.*991A>G

Gene: CHST6 (carbohydrate sulfotransferase 6; minus strand). Cytogenetic location: 16q23.1.
Variant type: single nucleotide variant.
Coding change: c.*991A>G on transcript NM_021615.5 (MANE Select); 991 bases downstream of the stop codon, A replaced by G.
Molecular consequence: 3 prime UTR variant.
Genome position (GRCh38, 1-based): chr16:75,477,650, T>C on the plus strand (A>G on the coding strand, the complement: CHST6 is on the minus strand). VCF-style: chr16-75477650-T-C. GRCh37 (hg19) VCF-style: chr16-75511548-T-C.
Identifiers: ClinVar variation 885002 (VCV000885002.4), dbSNP rs142368532, ClinGen allele CA283852288.

ClinVar aggregate classification (germline): Benign (1 of 4 stars; one submission).

Conditions:
Macular corneal dystrophy (MCD). Also called: Macular corneal dystrophy Type I; GROENOUW TYPE II CORNEAL DYSTROPHY. Identifiers: Orphanet 98969, MedGen C1636149, MONDO:0009020, OMIM 217800.

Allele frequency attached by ClinVar (database versions not stated): gnomAD 0.00469 and 0.00492; TOPMed 0.00527; 1000 Genomes Project 0.00739; 1000 Genomes Project 30x 0.00781.

Submission:

Illumina Laboratory Services, Illumina
Classification: Benign for Macular corneal dystrophy. Last evaluated: 2018-01-12. Review status: criteria provided, single submitter. Criteria: ICSL Variant Classification Criteria 13 December 2019. Collection method: clinical testing. Allele origin: germline.
Comment: This variant was observed in the ICSL laboratory as part of a predisposition screen in an ostensibly healthy population. It had not been previously curated by ICSL or reported in the Human Gene Mutation Database (HGMD: prior to June 1st, 2018), and was therefore a candidate for classification through an automated scoring system. Utilizing variant allele frequency, disease prevalence and penetrance estimates, and inheritance mode, an automated score was calculated to assess if this variant is too frequent to cause the disease. Based on the score and internal cut-off values, a variant classified as benign is not then subjected to further curation. The score for this variant resulted in a classification of benign for this disease.